The following is an entry in ClinVar:

NM_024589.3(ROGDI):c.195C>G (p.Ser65Arg)

Gene: ROGDI (rogdi atypical leucine zipper; minus strand). Cytogenetic location: 16p13.3.
Variant type: single nucleotide variant.
Coding change: c.195C>G on transcript NM_024589.3 (MANE Select); coding-DNA position 195, C replaced by G.
Protein change: p.Ser65Arg; replaces serine 65 with arginine.
Molecular consequence: missense variant. On other transcripts: non-coding transcript variant (1).
Genome position (GRCh38, 1-based): chr16:4,801,508, G>C on the plus strand (C>G on the coding strand, the complement: ROGDI is on the minus strand). VCF-style: chr16-4801508-G-C. GRCh37 (hg19) VCF-style: chr16-4851509-G-C.
Other names: short protein forms S65R.
Identifiers: ClinVar variation 2119489 (VCV002119489.4), dbSNP rs2505728976, ClinGen allele CA394655089.

ClinVar aggregate classification (germline): Uncertain significance (1 of 4 stars; one submission).

Conditions:
Amelocerebrohypohidrotic syndrome (KTZS). Also called: Kohlschutter's syndrome; EPILEPSY AND YELLOW TEETH; EPILEPSY, DEMENTIA, AND AMELOGENESIS IMPERFECTA; KOHLSCHUTTER SYNDROME. Identifiers: Orphanet 1946, MedGen C0406740, MONDO:0009185, OMIM 226750.

Submission:

Labcorp Genetics (formerly Invitae), Labcorp
Classification: Uncertain significance for Amelocerebrohypohidrotic syndrome. Last evaluated: 2022-03-29. Review status: criteria provided, single submitter. Criteria: Invitae Variant Classification Sherloc (09022015). Collection method: clinical testing. Allele origin: germline.
Comment: This sequence change replaces serine, which is neutral and polar, with arginine, which is basic and polar, at codon 65 of the ROGDI protein (p.Ser65Arg). This variant is not present in population databases (gnomAD no frequency). In summary, the available evidence is currently insufficient to determine the role of this variant in disease. Therefore, it has been classified as a Variant of Uncertain Significance. Algorithms developed to predict the effect of sequence changes on RNA splicing suggest that this variant may disrupt the consensus splice site. Algorithms developed to predict the effect of missense changes on protein structure and function are either unavailable or do not agree on the potential impact of this missense change (SIFT: "Deleterious"; PolyPhen-2: "Benign"; Align-GVGD: "Class C0"). This variant has not been reported in the literature in individuals affected with ROGDI-related conditions.